The following is an entry in ClinVar:

ClinVar aggregate classification (germline): Uncertain significance (1 of 4 stars; one submission).

Submission:

CeGaT Center for Human Genetics Tuebingen
Classification: Uncertain significance. Last evaluated: 2023-06-01. Review status: criteria provided, single submitter. Criteria: CeGaT Center For Human Genetics Tuebingen Variant Classification Criteria Version 2. Collection method: clinical testing. Allele origin: germline. Affected: yes. Observed: 1 variant allele.
Comment: ACVR1: PM1, PM2, PP3

NM_001111067.4(ACVR1):c.957G>C (p.Leu319Phe)

Gene: ACVR1 (activin A receptor type 1; minus strand). Cytogenetic location: 2q24.1.
Variant type: single nucleotide variant.
Coding change: c.957G>C on transcript NM_001111067.4 (MANE Select); coding-DNA position 957, G replaced by C.
Protein change: p.Leu319Phe; replaces leucine 319 with phenylalanine.
Molecular consequence: missense variant.
Genome position (GRCh38, 1-based): chr2:157,766,030, C>G on the plus strand (G>C on the coding strand, the complement: ACVR1 is on the minus strand). VCF-style: chr2-157766030-C-G. GRCh37 (hg19) VCF-style: chr2-158622542-C-G.
Other names: c.957G>C, p.Leu319Phe (NM_001105.5, NM_001347663.1, NM_001347664.1 and 3 more transcripts); short protein forms L319F.
Identifiers: ClinVar variation 2571089 (VCV002571089.27), dbSNP rs1412520061, ClinGen allele CA349190128.